The following is an entry in ClinVar:

ClinVar aggregate classification (germline): Uncertain significance (1 of 4 stars; one submission).

Conditions:
SLC33A1-related disorder. Also called: SLC33A1-related condition.

Allele frequency attached by ClinVar (database versions not stated): gnomAD 0.00001; gnomAD exomes 0.00001; TOPMed 0.00001.
gnomAD v4.1: 11 of 1,613,880 alleles (0.00068%); highest among the groups gnomAD compares: African/African-American, 0.004%; no homozygotes.

Submission:

PreventionGenetics, part of Exact Sciences
Classification: Uncertain significance for SLC33A1-related condition. Last evaluated: 2023-09-09. Review status: criteria provided, single submitter. Criteria: ACMG Guidelines, 2015. Collection method: clinical testing. Allele origin: germline.
Comment: The SLC33A1 c.669G>A variant is not predicted to result in an amino acid change (p.=). To our knowledge, this variant has not been reported in the literature. This variant is reported in 0.00088% of alleles in individuals of European (Non-Finnish) descent in gnomAD. At this time, the clinical significance of this variant is uncertain due to the absence of conclusive functional and genetic evidence.

NM_004733.4(SLC33A1):c.669G>A (p.Ala223=)

Gene: SLC33A1 (solute carrier family 33 member 1; minus strand). Cytogenetic location: 3q25.31.
Variant type: single nucleotide variant.
Coding change: c.669G>A on transcript NM_004733.4 (MANE Select); coding-DNA position 669, G replaced by A.
Protein change: p.Ala223=; no amino-acid change (alanine 223 retained).
Molecular consequence: synonymous variant.
Genome position (GRCh38, 1-based): chr3:155,853,329, C>T on the plus strand (G>A on the coding strand, the complement: SLC33A1 is on the minus strand). VCF-style: chr3-155853329-C-T. GRCh37 (hg19) VCF-style: chr3-155571118-C-T.
Other names: c.669G>A, p.Ala223= (NM_001190992.2, NM_001363883.1).
Identifiers: ClinVar variation 2628935 (VCV002628935.1), dbSNP rs1243509793, ClinGen allele CA436689995.